The following is an entry in ClinVar:

ClinVar aggregate classification (germline): Likely benign (1 of 4 stars; one submission).

Allele frequency attached by ClinVar (database versions not stated): gnomAD exomes 0.00022; ExAC 0.00074; 1000 Genomes Project 0.00180; 1000 Genomes Project 30x 0.00187; gnomAD 0.00244; TOPMed 0.00257; ESP Exome Variant Server 0.00277.
gnomAD v4.1: 693 of 1,612,508 alleles (0.043%); highest among the groups gnomAD compares: African/African-American, 0.85%; 4 homozygotes.

Submission:

CeGaT Center for Human Genetics Tuebingen
Classification: Likely benign. Last evaluated: 2022-07-01. Review status: criteria provided, single submitter. Criteria: CeGaT Center For Human Genetics Tuebingen Variant Classification Criteria Version 2. Collection method: clinical testing. Allele origin: germline. Affected: yes. Observed: 1 variant allele.
Comment: IGF2R: BP4, BP7

NM_000876.4(IGF2R):c.1845G>A (p.Ala615=)

Gene: IGF2R (insulin like growth factor 2 receptor; plus strand). Cytogenetic location: 6q25.3.
Variant type: single nucleotide variant.
Coding change: c.1845G>A on transcript NM_000876.4 (MANE Select); coding-DNA position 1845, G replaced by A.
Protein change: p.Ala615=; no amino-acid change (alanine 615 retained).
Molecular consequence: synonymous variant.
Genome position (GRCh38, 1-based): chr6:160,045,824, G>A. VCF-style: chr6-160045824-G-A. GRCh37 (hg19) VCF-style: chr6-160466856-G-A.
Identifiers: ClinVar variation 2657101 (VCV002657101.24), dbSNP rs8191798, ClinGen allele CA4081737.